The following is an entry in ClinVar:

ClinVar aggregate classification (germline): Uncertain significance (1 of 4 stars; one submission).

Allele frequency attached by ClinVar (database versions not stated): gnomAD exomes below 0.00001; TOPMed 0.00002; ExAC 0.00001.
gnomAD v4.1: 2 of 1,612,938 alleles (0.00012%); highest among the groups gnomAD compares: African/African-American, 0.0027%; no homozygotes.

Submission:

Ambry Genetics
Classification: Uncertain significance. Last evaluated: 2025-11-09. Review status: criteria provided, single submitter. Criteria: Ambry Variant Classification Scheme 2023. Collection method: clinical testing. Allele origin: germline.
Comment: The p.I100S variant (also known as c.299T>G), located in coding exon 3 of the RECQL gene, results from a T to G substitution at nucleotide position 299. The isoleucine at codon 100 is replaced by serine, an amino acid with dissimilar properties. This amino acid position is well conserved in available vertebrate species. In addition, this alteration is predicted to be deleterious by in silico analysis. Since supporting evidence is limited at this time, the clinical significance of this alteration remains unclear.

NM_002907.4(RECQL):c.299T>G (p.Ile100Ser)

Gene: RECQL (RecQ like helicase; minus strand). Cytogenetic location: 12p12.1.
Variant type: single nucleotide variant.
Coding change: c.299T>G on transcript NM_002907.4 (MANE Select); coding-DNA position 299, T replaced by G.
Protein change: p.Ile100Ser; replaces isoleucine 100 with serine.
Molecular consequence: missense variant.
Genome position (GRCh38, 1-based): chr12:21,490,294, A>C on the plus strand (T>G on the coding strand, the complement: RECQL is on the minus strand). VCF-style: chr12-21490294-A-C. GRCh37 (hg19) VCF-style: chr12-21643228-A-C.
Other names: c.299T>G, p.Ile100Ser (NM_032941.3); short protein forms I100S.
Identifiers: ClinVar variation 1798626 (VCV001798626.4), dbSNP rs780718535, ClinGen allele CA6479138.